The following is an entry in ClinVar:

NM_017654.4(SAMD9):c.1078A>G (p.Arg360Gly)

Gene: SAMD9 (sterile alpha motif domain containing 9; minus strand). Cytogenetic location: 7q21.2.
Variant type: single nucleotide variant.
Coding change: c.1078A>G on transcript NM_017654.4 (MANE Select); coding-DNA position 1078, A replaced by G.
Protein change: p.Arg360Gly; replaces arginine 360 with glycine.
Molecular consequence: missense variant.
Genome position (GRCh38, 1-based): chr7:93,105,020, T>C on the plus strand (A>G on the coding strand, the complement: SAMD9 is on the minus strand). VCF-style: chr7-93105020-T-C. GRCh37 (hg19) VCF-style: chr7-92734333-T-C.
Other names: c.1078A>G, p.Arg360Gly (NM_001193307.2); short protein forms R360G.
Identifiers: ClinVar variation 3776424 (VCV003776424.1).

ClinVar aggregate classification (germline): Uncertain significance (1 of 4 stars; one submission).

Submission:

GeneDx
Classification: Uncertain significance. Last evaluated: 2024-09-28. Review status: criteria provided, single submitter. Criteria: GeneDx Variant Classification Process June 2021. Collection method: clinical testing. Allele origin: germline. Affected: yes.
Comment: Not observed at significant frequency in large population cohorts (gnomAD); In silico analysis indicates that this missense variant does not alter protein structure/function; Has not been previously published as pathogenic or benign to our knowledge